The following is an entry in ClinVar:

ClinVar aggregate classification (germline): Uncertain significance (1 of 4 stars; one submission).

gnomAD v4.1: 3 of 1,614,086 alleles (0.00019%); highest among the groups gnomAD compares: Non-Finnish European, 0.00025%; no homozygotes.

Submission:

Labcorp Genetics (formerly Invitae), Labcorp
Classification: Uncertain significance. Last evaluated: 2026-01-01. Review status: criteria provided, single submitter. Criteria: Invitae Variant Classification Sherloc (09022015). Collection method: clinical testing. Allele origin: germline.
Comment: This sequence change replaces methionine, which is neutral and non-polar, with valine, which is neutral and non-polar, at codon 88 of the CTNNB1 protein (p.Met88Val). This variant is present in population databases (rs773961563, gnomAD 0.0009%). This variant has not been reported in the literature in individuals affected with CTNNB1-related conditions. ClinVar contains an entry for this variant (Variation ID: 3677525). Invitae Evidence Modeling of protein sequence and biophysical properties (such as structural, functional, and spatial information, amino acid conservation, physicochemical variation, residue mobility, and thermodynamic stability) indicates that this missense variant is not expected to disrupt CTNNB1 protein function with a negative predictive value of 80%. In summary, the available evidence is currently insufficient to determine the role of this variant in disease. Therefore, it has been classified as a Variant of Uncertain Significance.

NM_001904.4(CTNNB1):c.262A>G (p.Met88Val)

Genes: CTNNB1 (catenin beta 1; plus strand), LOC126806658 (BRD4-independent group 4 enhancer GRCh37_chr3:41265899-41267098; plus strand). Cytogenetic location: 3p22.1.
Variant type: single nucleotide variant.
Coding change: c.262A>G on transcript NM_001904.4 (MANE Select); coding-DNA position 262, A replaced by G.
Protein change: p.Met88Val; replaces methionine 88 with valine.
Molecular consequence: missense variant.
Genome position (GRCh38, 1-based): chr3:41,224,974, A>G. VCF-style: chr3-41224974-A-G. GRCh37 (hg19) VCF-style: chr3-41266465-A-G.
Other names: c.262A>G, p.Met88Val (NM_001098209.2, NM_001098210.2); c.241A>G, p.Met81Val (NM_001330729.2); short protein forms M81V, M88V.
Identifiers: ClinVar variation 3677525 (VCV003677525.2).
Genomic context (GRCh38, chr3:41,224,974, plus strand): 5'-CTGAACTGTGGATAGTGAGTGTTGAATTAACCTTTTCCAGATATTGATGGACAGTATGCA[A>G]TGACTCGAGCTCAGAGGGTACGAGCTGCTATGTTCCCTGAGACATTAGATGAGGGCATGC-3'
Protein context (NP_001895.1, residues 78-98): QVADIDGQYA[Met88Val]TRAQRVRAAM